The following is an entry in ClinVar:

NM_001351132.2(PEX5):c.196T>C (p.Phe66Leu)

Gene: PEX5 (peroxisomal biogenesis factor 5; plus strand). Cytogenetic location: 12p13.31.
Variant type: single nucleotide variant.
Coding change: c.196T>C on transcript NM_001351132.2 (MANE Select); coding-DNA position 196, T replaced by C.
Protein change: p.Phe66Leu; replaces phenylalanine 66 with leucine.
Molecular consequence: missense variant.
Genome position (GRCh38, 1-based): chr12:7,191,238, T>C. VCF-style: chr12-7191238-T-C. GRCh37 (hg19) VCF-style: chr12-7343834-T-C.
Other names: c.196T>C, p.Phe66Leu (NM_000319.5, NM_001131024.2, NM_001131025.2 and 19 more transcripts); c.241T>C, p.Phe81Leu (NM_001131023.2, NM_001351135.3, NM_001351138.2); c.196T>C (NM_001131025.1); short protein forms F66L, F81L.
Identifiers: ClinVar variation 1060328 (VCV001060328.5), dbSNP rs757539708, ClinGen allele CA6426061.

ClinVar aggregate classification (germline): Uncertain significance. Review status: criteria provided, single submitter (1 of 4 stars). 2 submissions from 2 submitters: Uncertain significance (1). 1 of the submissions does not count toward it. Last evaluated 2022-07-12.

Conditions:
Peroxisome biogenesis disorder 2B (PBD2B). Identifiers: Orphanet 44, MedGen C3550234, MONDO:0008736, OMIM 202370.
PEX5-related disorder. Also called: PEX5-Related Disorders; PEX5-related condition.

Allele frequency attached by ClinVar (database versions not stated): gnomAD exomes below 0.00001; TOPMed below 0.00001; ExAC 0.00001.
gnomAD v4.1: 5 of 1,614,196 alleles (0.00031%); highest among the groups gnomAD compares: Admixed American, 0.0017%; no homozygotes.

Submissions (2):

Labcorp Genetics (formerly Invitae), Labcorp
Classification: Uncertain significance for Peroxisome biogenesis disorder 2B. Last evaluated: 2022-07-12. Review status: criteria provided, single submitter. Criteria: Invitae Variant Classification Sherloc (09022015). Collection method: clinical testing. Allele origin: germline.
Comment: This sequence change replaces phenylalanine, which is neutral and non-polar, with leucine, which is neutral and non-polar, at codon 66 of the PEX5 protein (p.Phe66Leu). This variant is present in population databases (rs757539708, gnomAD 0.003%). This variant has not been reported in the literature in individuals affected with PEX5-related conditions. ClinVar contains an entry for this variant (Variation ID: 1060328). Algorithms developed to predict the effect of missense changes on protein structure and function are either unavailable or do not agree on the potential impact of this missense change (SIFT: "Tolerated"; PolyPhen-2: "Probably Damaging"; Align-GVGD: "Class C0"). In summary, the available evidence is currently insufficient to determine the role of this variant in disease. Therefore, it has been classified as a Variant of Uncertain Significance.

PreventionGenetics, part of Exact Sciences
Classification: Uncertain significance for PEX5-related condition. Last evaluated: 2024-07-05. Review status: no assertion criteria provided. Collection method: clinical testing. Allele origin: germline. Not counted in ClinVar's aggregate classification.
Comment: The PEX5 c.196T>C variant is predicted to result in the amino acid substitution p.Phe66Leu. To our knowledge, this variant has not been reported in the literature. This variant is reported in 0.0029% of alleles in individuals of Latino descent in gnomAD. At this time, the clinical significance of this variant is uncertain due to the absence of conclusive functional and genetic evidence.